The following is an entry in ClinVar:

NM_007098.4(CLTCL1):c.506G>A (p.Gly169Asp)

Gene: CLTCL1 (clathrin heavy chain like 1; minus strand). Cytogenetic location: 22q11.21.
Variant type: single nucleotide variant.
Coding change: c.506G>A on transcript NM_007098.4 (MANE Select); coding-DNA position 506, G replaced by A.
Protein change: p.Gly169Asp; replaces glycine 169 with aspartic acid.
Molecular consequence: missense variant.
Genome position (GRCh38, 1-based): chr22:19,253,972, C>T on the plus strand (G>A on the coding strand, the complement: CLTCL1 is on the minus strand). VCF-style: chr22-19253972-C-T. GRCh37 (hg19) VCF-style: chr22-19241495-C-T.
Other names: c.506G>A, p.Gly169Asp (NM_001835.4); short protein forms G169D.
Identifiers: ClinVar variation 3036196 (VCV003036196.2), dbSNP rs564477345, ClinGen allele CA10098982.
Genomic context (GRCh38, chr22:19,253,972, plus strand): 5'-CTTTGAAGTTACATCAGACCAGCCCCTAAAGGCAGCTCAAGGCTTACCTGAGCCGAGATG[C>T]CTACGAGCAGCAGCCACTTCTGGTACTCATCAGTCCGGTAGTGAATCACCTGGCAGCCCA-3'
Protein context (NP_009029.3, residues 159-179): DEYQKWLLLV[Gly169Asp]ISAQQNRVVG

ClinVar aggregate classification (germline): Likely benign (0 of 4 stars; one submission).

Conditions:
CLTCL1-related disorder. Also called: CLTCL1-related condition.

Allele frequency attached by ClinVar (database versions not stated): gnomAD exomes 0.00007; gnomAD 0.00009; ExAC 0.00012; TOPMed 0.00014.
gnomAD v4.1: 129 of 1,612,076 alleles (0.008%); highest among the groups gnomAD compares: African/African-American, 0.0013%; no homozygotes.

Submission:

PreventionGenetics, part of Exact Sciences
Classification: Likely benign for CLTCL1-related condition. Last evaluated: 2023-04-04. Review status: no assertion criteria provided. Collection method: clinical testing. Allele origin: germline.
Comment: This variant is classified as likely benign based on ACMG/AMP sequence variant interpretation guidelines (Richards et al. 2015 PMID: 25741868, with internal and published modifications).